The following is an entry in ClinVar:

NM_206926.2(SELENON):c.1547A>C (p.Lys516Thr)

Gene: SELENON (selenoprotein N; plus strand). Cytogenetic location: 1p36.11.
Variant type: single nucleotide variant.
Coding change: c.1547A>C on transcript NM_206926.2 (MANE Select); coding-DNA position 1547, A replaced by C.
Protein change: p.Lys516Thr; replaces lysine 516 with threonine.
Molecular consequence: missense variant.
Genome position (GRCh38, 1-based): chr1:25,815,594, A>C. VCF-style: chr1-25815594-A-C. GRCh37 (hg19) VCF-style: chr1-26142085-A-C.
Other names: c.1649A>C, p.Lys550Thr (NM_020451.3); short protein forms K516T, K550T.
Identifiers: ClinVar variation 1392055 (VCV001392055.6), dbSNP rs1001504099, ClinGen allele CA19699214.

ClinVar aggregate classification (germline): Uncertain significance (1 of 4 stars; one submission).

Conditions:
Eichsfeld type congenital muscular dystrophy (CMYO3). Also called: MYOPATHY, SEPN1-RELATED; SELENON-related myopathy; Congenital myopathy 3 with rigid spine; Rigid spine muscular dystrophy 1. Identifiers: MedGen C0410180, MONDO:0100100, OMIM 602771.

Allele frequency attached by ClinVar (database versions not stated): TOPMed 0.00001; gnomAD exomes 0.00002.
gnomAD v4.1: 33 of 1,614,188 alleles (0.002%); highest among the groups gnomAD compares: Non-Finnish European, 0.0027%; no homozygotes.

Submission:

Labcorp Genetics (formerly Invitae), Labcorp
Classification: Uncertain significance for Eichsfeld type congenital muscular dystrophy. Last evaluated: 2022-10-13. Review status: criteria provided, single submitter. Criteria: Invitae Variant Classification Sherloc (09022015). Collection method: clinical testing. Allele origin: germline.
Comment: In summary, the available evidence is currently insufficient to determine the role of this variant in disease. Therefore, it has been classified as a Variant of Uncertain Significance. Advanced modeling of protein sequence and biophysical properties (such as structural, functional, and spatial information, amino acid conservation, physicochemical variation, residue mobility, and thermodynamic stability) has been performed at Invitae for this missense variant, however the output from this modeling did not meet the statistical confidence thresholds required to predict the impact of this variant on SELENON protein function. ClinVar contains an entry for this variant (Variation ID: 1392055). This variant has not been reported in the literature in individuals affected with SELENON-related conditions. This variant is present in population databases (no rsID available, gnomAD 0.005%). This sequence change replaces lysine, which is basic and polar, with threonine, which is neutral and polar, at codon 550 of the SELENON protein (p.Lys550Thr).